The following is an entry in ClinVar:

NM_000268.4(NF2):c.1635A>T (p.Glu545Asp)

Gene: NF2 (NF2, moesin-ezrin-radixin like (MERLIN) tumor suppressor; plus strand). Cytogenetic location: 22q12.2.
Variant type: single nucleotide variant.
Coding change: c.1635A>T on transcript NM_000268.4 (MANE Select); coding-DNA position 1635, A replaced by T.
Protein change: p.Glu545Asp; replaces glutamic acid 545 with aspartic acid.
Molecular consequence: missense variant. On other transcripts: non-coding transcript variant (1), intron variant (1).
Genome position (GRCh38, 1-based): chr22:29,681,499, A>T. VCF-style: chr22-29681499-A-T. GRCh37 (hg19) VCF-style: chr22-30077488-A-T.
Other names: c.1635A>T, p.Glu545Asp (NM_016418.5, NM_181825.3, NM_181832.3); c.1509A>T, p.Glu503Asp (NM_181828.3); c.1512A>T, p.Glu504Asp (NM_181829.3); c.1386A>T, p.Glu462Asp (NM_181830.3, NM_181831.3); c.448-13253A>T (NM_181833.3); c.1635A>T (NM_181832.2); short protein forms E545D, E503D, E504D, E462D.
Identifiers: ClinVar variation 435976 (VCV000435976.25), dbSNP rs1556003698, ClinGen allele CA411150124.

ClinVar aggregate classification (germline): Uncertain significance. Review status: criteria provided, multiple submitters, no conflicts (2 of 4 stars). 8 submissions from 8 submitters: Uncertain significance (8). Last evaluated 2026-05-27.

Conditions:
NF2-related disorder. Also called: NF2-related condition.
Hereditary cancer-predisposing syndrome. Also called: Hereditary Cancer Syndrome; Tumor predisposition; Hereditary neoplastic syndrome; Neoplastic Syndromes, Hereditary. Identifiers: Orphanet 140162, MedGen C0027672, MeSH D009386, MONDO:0015356.
Familial meningioma. Also called: Meningioma, familial, susceptibility to. Identifiers: Orphanet 263662, MedGen C3551915, MONDO:0011789, OMIM 607174.
Neurofibromatosis, type 2 (SWNV). Also called: BILATERAL ACOUSTIC NEUROFIBROMATOSIS; SCHWANNOMATOSIS, VESTIBULAR; NF2-Related Schwannomatosis. Identifiers: Orphanet 637, MedGen C0027832, MONDO:0007039, OMIM 101000. Disease mechanism: loss of function.

Allele frequency attached by ClinVar (database versions not stated): gnomAD exomes 0.00002.
gnomAD v4.1: 30 of 1,614,184 alleles (0.0019%); highest among the groups gnomAD compares: Non-Finnish European, 0.0025%; no homozygotes.

Submissions (8):

PreventionGenetics, part of Exact Sciences
Classification: Uncertain significance for NF2-related condition. Last evaluated: 2026-05-27. Review status: criteria provided, single submitter. Criteria: ACMG Guidelines, 2015. Collection method: clinical testing. Allele origin: germline.
Comment: The NF2 c.1635A>T variant is predicted to result in the amino acid substitution p.Glu545Asp. To our knowledge, this variant has not been reported in the literature or in a large population database (gnomAD), indicating this variant is rare. At this time, the clinical significance of this variant is uncertain due to the absence of conclusive functional and genetic evidence.

Labcorp Genetics (formerly Invitae), Labcorp
Classification: Uncertain significance for Neurofibromatosis, type 2. Last evaluated: 2025-08-06. Review status: criteria provided, single submitter. Criteria: Invitae Variant Classification Sherloc (09022015). Collection method: clinical testing. Allele origin: germline.
Comment: This sequence change replaces glutamic acid, which is acidic and polar, with aspartic acid, which is acidic and polar, at codon 545 of the NF2 protein (p.Glu545Asp). This variant is not present in population databases (gnomAD no frequency). This variant has not been reported in the literature in individuals affected with NF2-related conditions. ClinVar contains an entry for this variant (Variation ID: 435976). Invitae Evidence Modeling of protein sequence and biophysical properties (such as structural, functional, and spatial information, amino acid conservation, physicochemical variation, residue mobility, and thermodynamic stability) indicates that this missense variant is not expected to disrupt NF2 protein function with a negative predictive value of 80%. In summary, the available evidence is currently insufficient to determine the role of this variant in disease. Therefore, it has been classified as a Variant of Uncertain Significance.

Ambry Genetics
Classification: Uncertain significance for Hereditary cancer-predisposing syndrome. Last evaluated: 2025-02-12. Review status: criteria provided, single submitter. Criteria: Ambry Variant Classification Scheme 2023. Collection method: clinical testing. Allele origin: germline.
Comment: The p.E545D variant (also known as c.1635A>T), located in coding exon 15 of the NF2 gene, results from an A to T substitution at nucleotide position 1635. The glutamic acid at codon 545 is replaced by aspartic acid, an amino acid with highly similar properties. This amino acid position is highly conserved in available vertebrate species. In addition, the in silico prediction for this alteration is inconclusive. Based on the available evidence, the clinical significance of this variant remains unclear.

Baylor Genetics
Classification: Uncertain significance for Familial meningioma. Last evaluated: 2024-02-06. Review status: criteria provided, single submitter. Criteria: ACMG Guidelines, 2015. Collection method: clinical testing. Allele origin: unknown.

All of Us Research Program, National Institutes of Health
Classification: Uncertain significance for Neurofibromatosis, type 2. Last evaluated: 2023-06-08. Review status: criteria provided, single submitter. Criteria: ACMG Guidelines, 2015. Collection method: clinical testing. Allele origin: germline. Inheritance: Autosomal dominant inheritance. Observed: 1 variant allele, 1 heterozygote.
Comment: This missense variant replaces glutamic acid with aspartic acid at codon 545 of the NF2 protein. Computational prediction is inconclusive regarding the impact of this variant on protein structure and function (internally defined REVEL score threshold 0.5 < inconclusive < 0.7, PMID: 27666373). To our knowledge, functional studies have not been reported for this variant. This variant has not been reported in individuals affected with NF2-related disorders in the literature. This variant has not been identified in the general population by the Genome Aggregation Database (gnomAD). The available evidence is insufficient to determine the role of this variant in disease conclusively. Therefore, this variant is classified as a Variant of Uncertain Significance.

This study involves interpretation of variants in research participants for the purpose of population health screening. Participant phenotype was not available at the time of variant classification. Additional details can be found in publication PMID: 35346344, PMCID: PMC8962531

Genome-Nilou Lab
Classification: Uncertain significance for Neurofibromatosis, type 2. Last evaluated: 2021-11-07. Review status: criteria provided, single submitter. Criteria: ACMG Guidelines, 2015. Collection method: clinical testing. Allele origin: germline. Affected: no.

Blueprint Genetics
Classification: Uncertain significance. Last evaluated: 2020-02-22. Review status: criteria provided, single submitter. Criteria: ACMG Guidelines, 2015. Collection method: clinical testing. Allele origin: germline.

Genetic Services Laboratory, University of Chicago
Classification: Uncertain significance. Last evaluated: 2017-06-07. Review status: criteria provided, single submitter. Criteria: ACMG Guidelines, 2015. Collection method: clinical testing. Allele origin: germline. Affected: no.